The following is an entry in ClinVar:

NM_005188.4(CBL):c.538C>T (p.Arg180Trp)

Gene: CBL (Cbl proto-oncogene; plus strand). Cytogenetic location: 11q23.3.
Variant type: single nucleotide variant.
Coding change: c.538C>T on transcript NM_005188.4 (MANE Select); coding-DNA position 538, C replaced by T.
Protein change: p.Arg180Trp; replaces arginine 180 with tryptophan.
Molecular consequence: missense variant.
Genome position (GRCh38, 1-based): chr11:119,271,829, C>T. VCF-style: chr11-119271829-C-T. GRCh37 (hg19) VCF-style: chr11-119142539-C-T.
Other names: short protein forms R180W.
Identifiers: ClinVar variation 2067855 (VCV002067855.4), dbSNP rs2135297116, ClinGen allele CA382907630.
Genomic context (GRCh38, chr11:119,271,829, plus strand): 5'-CACATGCTGGCAGAACTAAAAGGAATCTTTCCAAGTGGACTCTTTCAGGGAGACACATTT[C>T]GGATTACTAAAGCAGATGCTGCGGAATTTTGGAGAAAAGCTTTTGGGGAAAAGTAAGTCT-3'
Protein context (NP_005179.2, residues 170-190): PSGLFQGDTF[Arg180Trp]ITKADAAEFW

ClinVar aggregate classification (germline): Uncertain significance (1 of 4 stars; one submission).

Conditions:
RASopathy. Also called: rasopathies; Noonan spectrum disorder. Identifiers: Orphanet 536391, MedGen C5555857, MONDO:0021060.

Allele frequency attached by ClinVar (database versions not stated): gnomAD exomes below 0.00001.
gnomAD v4.1: 4 of 1,613,926 alleles (0.00025%); highest among the groups gnomAD compares: East Asian, 0.0022%; no homozygotes.

Submission:

Labcorp Genetics (formerly Invitae), Labcorp
Classification: Uncertain significance for RASopathy. Last evaluated: 2025-07-16. Review status: criteria provided, single submitter. Criteria: Invitae Variant Classification Sherloc (09022015). Collection method: clinical testing. Allele origin: germline.
Comment: This sequence change replaces arginine, which is basic and polar, with tryptophan, which is neutral and slightly polar, at codon 180 of the CBL protein (p.Arg180Trp). This variant is not present in population databases (gnomAD no frequency). This variant has not been reported in the literature in individuals affected with CBL-related conditions. ClinVar contains an entry for this variant (Variation ID: 2067855). Invitae Evidence Modeling of protein sequence and biophysical properties (such as structural, functional, and spatial information, amino acid conservation, physicochemical variation, residue mobility, and thermodynamic stability) has been performed for this missense variant. However, the output from this modeling did not meet the statistical confidence thresholds required to predict the impact of this variant on CBL protein function. In summary, the available evidence is currently insufficient to determine the role of this variant in disease. Therefore, it has been classified as a Variant of Uncertain Significance.